The following is an entry in ClinVar:

NM_015100.4(POGZ):c.747C>T (p.Thr249=)

Gene: POGZ (pogo transposable element derived with ZNF domain; minus strand). Cytogenetic location: 1q21.3.
Variant type: single nucleotide variant.
Coding change: c.747C>T on transcript NM_015100.4 (MANE Select); coding-DNA position 747, C replaced by T.
Protein change: p.Thr249=; no amino-acid change (threonine 249 retained).
Molecular consequence: synonymous variant.
Genome position (GRCh38, 1-based): chr1:151,428,235, G>A on the plus strand (C>T on the coding strand, the complement: POGZ is on the minus strand). VCF-style: chr1-151428235-G-A. GRCh37 (hg19) VCF-style: chr1-151400711-G-A.
Other names: c.747C>T, p.Thr249= (NM_001194937.2); c.588C>T, p.Thr196= (NM_001194938.2, NM_207171.2); c.462C>T, p.Thr154= (NM_145796.4).
Identifiers: ClinVar variation 588765 (VCV000588765.37), dbSNP rs148175159, ClinGen allele CA1091575.

ClinVar aggregate classification (germline): Benign/Likely benign. Review status: criteria provided, multiple submitters, no conflicts (2 of 4 stars). 7 submissions from 7 submitters: Benign (2); Likely benign (5). Last evaluated 2026-07-01.

Conditions:
Inborn genetic diseases. Identifiers: MedGen C0950123, MeSH D030342.
Intellectual disability-microcephaly-strabismus-behavioral abnormalities syndrome. Also called: White-Sutton Syndrome. Identifiers: Orphanet 468678, MedGen C4225351, MONDO:0014606, OMIM 616364.

Allele frequency attached by ClinVar (database versions not stated): gnomAD 0.00034 and 0.00051; ExAC 0.00058; gnomAD exomes 0.00066; TOPMed 0.00072; 1000 Genomes Project 0.00140; 1000 Genomes Project 30x 0.00156.
gnomAD v4.1: 513 of 1,613,990 alleles (0.032%); highest among the groups gnomAD compares: East Asian, 0.5%; 6 homozygotes.

Submissions (7):

CeGaT Center for Human Genetics Tuebingen
Classification: Likely benign. Last evaluated: 2026-07-01. Review status: criteria provided, single submitter. Criteria: CeGaT Center For Human Genetics Tuebingen Variant Classification Criteria Version 2. Collection method: clinical testing. Allele origin: germline. Affected: yes. Observed: 6 variant alleles.
Comment: POGZ: BP4, BP7

Blueprint Genetics
Classification: Likely benign. Last evaluated: 2024-10-23. Review status: criteria provided, single submitter. Criteria: ACMG Guidelines, 2015. Collection method: clinical testing. Allele origin: germline.

Genome-Nilou Lab
Classification: Likely benign for Intellectual disability-microcephaly-strabismus-behavioral abnormalities syndrome. Last evaluated: 2023-04-11. Review status: criteria provided, single submitter. Criteria: ACMG Guidelines, 2015. Collection method: clinical testing. Allele origin: germline. Affected: no.

Fulgent Genetics
Classification: Likely benign for Intellectual disability-microcephaly-strabismus-behavioral abnormalities syndrome. Last evaluated: 2022-02-14. Review status: criteria provided, single submitter. Criteria: ACMG Guidelines, 2015. Collection method: clinical testing. Allele origin: unknown.

Labcorp Genetics (formerly Invitae), Labcorp
Classification: Benign. Last evaluated: 2019-12-31. Review status: criteria provided, single submitter. Criteria: Invitae Variant Classification Sherloc (09022015). Collection method: clinical testing. Allele origin: germline.

GeneDx
Classification: Benign. Last evaluated: 2019-08-06. Review status: criteria provided, single submitter. Criteria: GeneDx Variant Classification Process June 2021. Collection method: clinical testing. Allele origin: germline. Affected: yes.

Ambry Genetics
Classification: Likely benign for Inborn genetic diseases. Last evaluated: 2016-10-04. Review status: criteria provided, single submitter. Criteria: Ambry Variant Classification Scheme 2023. Collection method: clinical testing. Allele origin: germline.